The following is an entry in ClinVar:

NM_001271938.2(MEGF8):c.4600G>A (p.Gly1534Arg)

Gene: MEGF8 (multiple EGF like domains 8; plus strand). Cytogenetic location: 19q13.2.
Variant type: single nucleotide variant.
Coding change: c.4600G>A on transcript NM_001271938.2 (MANE Select); coding-DNA position 4600, G replaced by A.
Protein change: p.Gly1534Arg; replaces glycine 1534 with arginine.
Molecular consequence: missense variant.
Genome position (GRCh38, 1-based): chr19:42,356,431, G>A. VCF-style: chr19-42356431-G-A. GRCh37 (hg19) VCF-style: chr19-42860583-G-A.
Other names: c.4399G>A, p.Gly1467Arg (NM_001410.3); short protein forms G1467R, G1534R.
Identifiers: ClinVar variation 1463447 (VCV001463447.6), dbSNP rs1285619780, ClinGen allele CA406116571.

ClinVar aggregate classification (germline): Uncertain significance (1 of 4 stars; one submission).

Conditions:
MEGF8-related Carpenter syndrome. Also called: Carpenter syndrome 2. Identifiers: Orphanet 65759, MedGen C3554247, MONDO:0013998, OMIM 614976.

Submission:

Labcorp Genetics (formerly Invitae), Labcorp
Classification: Uncertain significance for MEGF8-related Carpenter syndrome. Last evaluated: 2022-11-22. Review status: criteria provided, single submitter. Criteria: Invitae Variant Classification Sherloc (09022015). Collection method: clinical testing. Allele origin: germline.
Comment: In summary, the available evidence is currently insufficient to determine the role of this variant in disease. Therefore, it has been classified as a Variant of Uncertain Significance. Algorithms developed to predict the effect of missense changes on protein structure and function are either unavailable or do not agree on the potential impact of this missense change (SIFT: "Deleterious"; PolyPhen-2: "Probably Damaging"; Align-GVGD: "Class C0"). ClinVar contains an entry for this variant (Variation ID: 1463447). This variant has not been reported in the literature in individuals affected with MEGF8-related conditions. This variant is not present in population databases (gnomAD no frequency). This sequence change replaces glycine, which is neutral and non-polar, with arginine, which is basic and polar, at codon 1467 of the MEGF8 protein (p.Gly1467Arg).